The following is an entry in ClinVar:

ClinVar aggregate classification (germline): Benign. Review status: criteria provided, multiple submitters, no conflicts (2 of 4 stars). 2 submissions from 2 submitters: Benign (2). Last evaluated 2018-01-12.

Conditions:
Isolated focal non-epidermolytic palmoplantar keratoderma. Also called: Palmoplantar keratoderma, nonepidermolytic, focal 2. Identifiers: Orphanet 448264, MedGen C4225339, MONDO:0014622, OMIM 616400.

Allele frequency attached by ClinVar (database versions not stated): 1000 Genomes Project 30x 0.10556; gnomAD 0.12176 and 0.12484; TOPMed 0.11285; 1000 Genomes Project 0.10603.

Submissions (2):

Illumina Laboratory Services, Illumina
Classification: Benign for Isolated focal non-epidermolytic palmoplantar keratoderma. Last evaluated: 2018-01-12. Review status: criteria provided, single submitter. Criteria: ICSL Variant Classification Criteria 13 December 2019. Collection method: clinical testing. Allele origin: germline.
Comment: This variant was observed in the ICSL laboratory as part of a predisposition screen in an ostensibly healthy population. It had not been previously curated by ICSL or reported in the Human Gene Mutation Database (HGMD: prior to June 1st, 2018), and was therefore a candidate for classification through an automated scoring system. Utilizing variant allele frequency, disease prevalence and penetrance estimates, and inheritance mode, an automated score was calculated to assess if this variant is too frequent to cause the disease. Based on the score and internal cut-off values, a variant classified as benign is not then subjected to further curation. The score for this variant resulted in a classification of benign for this disease.

Breakthrough Genomics
Classification: Benign. Review status: criteria provided, single submitter. Criteria: ACMG Guidelines, 2015. Collection method: not provided. Allele origin: germline. Inheritance: Autosomal dominant inheritance. Affected: yes.

NM_145068.4(TRPV3):c.*3154C>T

Genes: TRPV3 (transient receptor potential cation channel subfamily V member 3; minus strand), SPATA22 (spermatogenesis associated 22; minus strand). Cytogenetic location: 17p13.2.
Variant type: single nucleotide variant.
Coding change: c.*3154C>T on transcript NM_145068.4 (MANE Select); 3154 bases downstream of the stop codon, C replaced by T.
Molecular consequence: 3 prime UTR variant. On other transcripts: intron variant (2).
Genome position (GRCh38, 1-based): chr17:3,510,763, G>A on the plus strand (C>T on the coding strand, the complement: TRPV3 is on the minus strand). VCF-style: chr17-3510763-G-A. GRCh37 (hg19) VCF-style: chr17-3414057-G-A.
Other names: c.*3154C>T (NM_001258205.2); c.-74+2649C>T (NM_001321336.2, NM_001321337.2).
Identifiers: ClinVar variation 322678 (VCV000322678.8), dbSNP rs2271156, ClinGen allele CA10645324.